The following is an entry in ClinVar:

NM_002206.3(ITGA7):c.63C>G (p.Ser21=)

Gene: ITGA7 (integrin subunit alpha 7; minus strand). Cytogenetic location: 12q13.2.
Variant type: single nucleotide variant.
Coding change: c.63C>G on transcript NM_002206.3 (MANE Select); coding-DNA position 63, C replaced by G.
Protein change: p.Ser21=; no amino-acid change (serine 21 retained).
Molecular consequence: synonymous variant. On other transcripts: 5 prime UTR variant (1), intron variant (3).
Genome position (GRCh38, 1-based): chr12:55,707,620, G>C on the plus strand (C>G on the coding strand, the complement: ITGA7 is on the minus strand). VCF-style: chr12-55707620-G-C. GRCh37 (hg19) VCF-style: chr12-56101404-G-C.
Other names: c.63C>G, p.Ser21= (NM_001144996.2, NM_001374465.1, NM_001410977.1 and 6 more transcripts); c.-1110C>G (NM_001367994.1); c.85+4443C>G (NM_001144997.2); c.-133-4442C>G (NM_001367993.1, NM_001414035.1).
Identifiers: ClinVar variation 1132753 (VCV001132753.34), dbSNP rs368615107, ClinGen allele CA6616467.
Genomic context (GRCh38, chr12:55,707,620, plus strand): 5'-GGCACCCATCACGTCCAGATTGAAGGCGACAGCCCGTGAGAAGAGCAGTTCGACGAGCAG[G>C]GAGCCAAAAAGGTAGCAAATCCCGGAGGCCCCCCAAGGGTCGCGGCTCCGAGCCCCGGCC-3'
Protein context (NP_002197.2, residues 11-31): GASGICYLFG[Ser21=]LLVELLFSRA

ClinVar aggregate classification (germline): Likely benign. Review status: criteria provided, multiple submitters, no conflicts (2 of 4 stars). 3 submissions from 3 submitters: Likely benign (3). Last evaluated 2026-07-01.

Conditions:
Congenital muscular dystrophy due to integrin alpha-7 deficiency. Also called: Congenital muscular dystrophy with integrin alpha-7 deficiency; Muscular dystrophy, congenital, due to ITGA7 deficiency; MYOPATHY, CONGENITAL, DUE TO INTEGRIN ALPHA-7 DEFICIENCY. Identifiers: Orphanet 34520, MedGen C2750786, MONDO:0013177, OMIM 613204.

Allele frequency attached by ClinVar (database versions not stated): TOPMed 0.00003; gnomAD exomes 0.00005 and 0.00007; ExAC 0.00006; gnomAD 0.00006; ESP Exome Variant Server 0.00008.
gnomAD v4.1: 112 of 1,611,014 alleles (0.007%); highest among the groups gnomAD compares: Non-Finnish European, 0.0091%; no homozygotes.

Submissions (3):

CeGaT Center for Human Genetics Tuebingen
Classification: Likely benign. Last evaluated: 2026-07-01. Review status: criteria provided, single submitter. Criteria: CeGaT Center For Human Genetics Tuebingen Variant Classification Criteria Version 2. Collection method: clinical testing. Allele origin: germline. Affected: yes. Observed: 2 variant alleles.
Comment: ITGA7: BP4, BP7

Labcorp Genetics (formerly Invitae), Labcorp
Classification: Likely benign for Congenital muscular dystrophy due to integrin alpha-7 deficiency. Last evaluated: 2025-11-08. Review status: criteria provided, single submitter. Criteria: Invitae Variant Classification Sherloc (09022015). Collection method: clinical testing. Allele origin: germline.

Blueprint Genetics
Classification: Likely benign. Last evaluated: 2023-02-03. Review status: criteria provided, single submitter. Criteria: ACMG Guidelines, 2015. Collection method: clinical testing. Allele origin: germline.